The following is an entry in ClinVar:

NM_198241.3(EIF4G1):c.3715GAG[2] (p.Glu1241del)

Gene: EIF4G1 (eukaryotic translation initiation factor 4 gamma 1; plus strand). Cytogenetic location: 3q27.1.
Variant type: Microsatellite.
Coding change: c.3715GAG[2] on transcript NM_198241.3 (MANE Select); two copies in a row of the 3-base unit GAG starting at c.3715; the reference has three copies in a row; one copy, 3 bases deleted.
Protein change: p.Glu1241del; deletes glutamic acid 1241.
Molecular consequence: inframe deletion.
Genome position (GRCh38, 1-based): chr3:184,327,645-184,327,647, GAG deleted; deleting any 3 consecutive bases within chr3:184,327,639-184,327,647 gives the same sequence; the position shown is the placement nearest the transcript's 3' end. VCF-style (leftmost placement, unchanged base first): chr3-184327638-TGAG-T. GRCh37 (hg19) VCF-style: chr3-184045426-TGAG-T.
Other names: c.3736GAG[2], p.Glu1248del (NM_001194946.2, NM_001194947.2); c.3595GAG[2], p.Glu1201del (NM_001291157.2); c.3130GAG[2], p.Glu1046del (NM_004953.5); c.3718GAG[2], p.Glu1242del (NM_182917.4); c.3223GAG[2], p.Glu1077del (NM_198242.3); c.3454GAG[2], p.Glu1154del (NM_198244.3); short protein forms E1046del, E1248del, E1077del, E1154del, E1241del, E1201del, E1242del.
Identifiers: ClinVar variation 4986541 (VCV004986541.1).

ClinVar aggregate classification (germline): Uncertain significance (1 of 4 stars; one submission).

Conditions:
EIF4G1-related disorder. Also called: EIF4G1-related condition.

Submission:

PreventionGenetics, part of Exact Sciences
Classification: Uncertain significance for EIF4G1-related condition. Last evaluated: 2025-03-31. Review status: criteria provided, single submitter. Criteria: ACMG Guidelines, 2015. Collection method: clinical testing. Allele origin: germline.
Comment: The EIF4G1 c.3721_3723delGAG variant is predicted to result in an in-frame deletion (p.Glu1241del). To our knowledge, this variant has not been reported in the literature. This variant is reported in 0.0054% of alleles in individuals of European (Non-Finnish) descent in gnomAD. At this time, the clinical significance of this variant is uncertain due to the absence of conclusive functional and genetic evidence.